The following is an entry in ClinVar:

ClinVar aggregate classification (germline): Uncertain significance (1 of 4 stars; one submission).

Conditions:
Brachyolmia-amelogenesis imperfecta syndrome. Also called: Tooth agenesis, selective, 6; Dental anomalies and short stature; PLATYSPONDYLY WITH AMELOGENESIS IMPERFECTA. Identifiers: Orphanet 2899, MedGen C1832594, MONDO:0011018, OMIM 601216. Disease mechanism: loss of function.

Submission:

Labcorp Genetics (formerly Invitae), Labcorp
Classification: Uncertain significance for Brachyolmia-amelogenesis imperfecta syndrome. Last evaluated: 2021-12-27. Review status: criteria provided, single submitter. Criteria: Invitae Variant Classification Sherloc (09022015). Collection method: clinical testing. Allele origin: germline.
Comment: This variant has not been reported in the literature in individuals affected with LTBP3-related conditions. This sequence change replaces isoleucine, which is neutral and non-polar, with threonine, which is neutral and polar, at codon 567 of the LTBP3 protein (p.Ile567Thr). This variant is not present in population databases (gnomAD no frequency). Algorithms developed to predict the effect of missense changes on protein structure and function are either unavailable or do not agree on the potential impact of this missense change (SIFT: "Deleterious"; PolyPhen-2: "Benign"; Align-GVGD: "Class C0"). In summary, the available evidence is currently insufficient to determine the role of this variant in disease. Therefore, it has been classified as a Variant of Uncertain Significance.

NM_001130144.3(LTBP3):c.1700T>C (p.Ile567Thr)

Gene: LTBP3 (latent transforming growth factor beta binding protein 3; minus strand). Cytogenetic location: 11q13.1.
Variant type: single nucleotide variant.
Coding change: c.1700T>C on transcript NM_001130144.3 (MANE Select); coding-DNA position 1700, T replaced by C.
Protein change: p.Ile567Thr; replaces isoleucine 567 with threonine.
Molecular consequence: missense variant.
Genome position (GRCh38, 1-based): chr11:65,551,146, A>G on the plus strand (T>C on the coding strand, the complement: LTBP3 is on the minus strand). VCF-style: chr11-65551146-A-G. GRCh37 (hg19) VCF-style: chr11-65318617-A-G.
Other names: c.1349T>C, p.Ile450Thr (NM_001164266.1); c.1700T>C, p.Ile567Thr (NM_021070.4); short protein forms I567T, I450T.
Identifiers: ClinVar variation 2062505 (VCV002062505.4), dbSNP rs2496165118, ClinGen allele CA381272654.